The following is an entry in ClinVar:

NM_000093.5(COL5A1):c.4155A>G (p.Pro1385=)

Gene: COL5A1 (collagen type V alpha 1 chain; plus strand). Cytogenetic location: 9q34.3.
Variant type: single nucleotide variant.
Coding change: c.4155A>G on transcript NM_000093.5 (MANE Select); coding-DNA position 4155, A replaced by G.
Protein change: p.Pro1385=; no amino-acid change (proline 1385 retained).
Molecular consequence: synonymous variant.
Genome position (GRCh38, 1-based): chr9:134,817,058, A>G. VCF-style: chr9-134817058-A-G. GRCh37 (hg19) VCF-style: chr9-137708904-A-G.
Other names: c.4155A>G, p.Pro1385= (NM_001278074.1); c.4155A>G (NM_000093.3).
Identifiers: ClinVar variation 1035124 (VCV001035124.12), dbSNP rs1476164063, ClinGen allele CA467663834.

ClinVar aggregate classification (germline): Conflicting classifications of pathogenicity. Review status: criteria provided, conflicting classifications (1 of 4 stars). 3 submissions from 3 submitters: Uncertain significance (1); Likely benign (2). Last evaluated 2026-02-03.

Conditions:
Ehlers-Danlos syndrome, classic type, 1 (EDSCL1). Also called: EHLERS-DANLOS SYNDROME, GRAVIS TYPE; EHLERS-DANLOS SYNDROME, SEVERE CLASSIC TYPE; EDS I; Ehlers-Danlos Syndrome, Classic Type, COL5A1-Related; Ehlers-Danlos syndrome, type 1. Identifiers: MedGen C0268335, MONDO:0019567, OMIM 130000.
Familial thoracic aortic aneurysm and aortic dissection (TAAD). Also called: Thoracic aortic aneurysms and dissections. Identifiers: Orphanet 91387, MedGen C4707243, MONDO:0019625.

Allele frequency attached by ClinVar (database versions not stated): gnomAD exomes below 0.00001 and 0.00001; gnomAD 0.00003 and 0.00004; TOPMed 0.00002.
gnomAD v4.1: 10 of 1,613,738 alleles (0.00062%); highest among the groups gnomAD compares: African/African-American, 0.0013%; no homozygotes.

Submissions (3):

Labcorp Genetics (formerly Invitae), Labcorp
Classification: Likely benign for Ehlers-Danlos syndrome, classic type, 1. Last evaluated: 2026-02-03. Review status: criteria provided, single submitter. Criteria: Invitae Variant Classification Sherloc (09022015). Collection method: clinical testing. Allele origin: germline.

Ambry Genetics
Classification: Uncertain significance for Familial thoracic aortic aneurysm and aortic dissection. Last evaluated: 2025-09-02. Review status: criteria provided, single submitter. Criteria: Ambry Variant Classification Scheme 2023. Collection method: clinical testing. Allele origin: germline.
Comment: The c.4155A>G variant (also known as p.P1385P), located in coding exon 53 of the COL5A1 gene, results from an A to G substitution at nucleotide position 4155. This nucleotide substitution does not change the proline at codon 1385. This nucleotide position is poorly conserved in available vertebrate species. In silico splice site analysis predicts that this alteration may result in the creation or strengthening of a novel splice donor site. Based on the available evidence, the clinical significance of this variant remains unclear.

Women's Health and Genetics/Laboratory Corporation of America, LabCorp
Classification: Likely benign. Last evaluated: 2024-06-04. Review status: criteria provided, single submitter. Criteria: LabCorp Variant Classification Summary - May 2015. Collection method: clinical testing. Allele origin: germline.